The following is an entry in ClinVar:

NC_000002.12:g.121531008_121531017del

Genes: CLASP1 (cytoplasmic linker associated protein 1; minus strand), CLASP1-AS1 (CLASP1 antisense RNA 1; plus strand), RNU4ATAC (RNA, U4atac small nuclear; plus strand). Cytogenetic location: 2q14.2.
Variant type: Deletion.
Molecular consequence: intron variant (on NM_001395891.1).
Genome position: GRCh38 VCF-style: chr2-121531007-AATGAAAACCT-A. GRCh37 (hg19) VCF-style: chr2-122288583-AATGAAAACCT-A.
Other names: c.196-692_196-683del (NM_001142274.2, NM_015282.3, NM_001378003.1 and 5 more transcripts).
Identifiers: ClinVar variation 1506178 (VCV001506178.3), dbSNP rs1259204636, ClinGen allele CA536071248.

ClinVar aggregate classification (germline): Uncertain significance (1 of 4 stars; one submission).

Allele frequency attached by ClinVar (database versions not stated): gnomAD 0.00003 and 0.00005; TOPMed 0.00003; gnomAD exomes 0.00004 and 0.00008; 1000 Genomes Project 30x 0.00031.

Submission:

Labcorp Genetics (formerly Invitae), Labcorp
Classification: Uncertain significance. Last evaluated: 2022-09-27. Review status: criteria provided, single submitter. Criteria: Invitae Variant Classification Sherloc (09022015). Collection method: clinical testing. Allele origin: germline.
Comment: This variant occurs in the RNU4ATAC gene, which encodes an RNA molecule that does not result in a protein product. This variant is present in population databases (no rsID available, gnomAD 0.1%). This variant has not been reported in the literature in individuals affected with RNU4ATAC-related conditions. Experimental studies and prediction algorithms are not available or were not evaluated, and the functional significance of this variant is currently unknown. In summary, the available evidence is currently insufficient to determine the role of this variant in disease. Therefore, it has been classified as a Variant of Uncertain Significance.